The following is an entry in ClinVar:

ClinVar aggregate classification (germline): Uncertain significance (1 of 4 stars; one submission).

Conditions:
Developmental and epileptic encephalopathy, 54. Also called: Epileptic encephalopathy, early infantile, 54; HNRNPU-Related Neurodevelopmental Disorder. Identifiers: MedGen C4479319, MONDO:0033363, OMIM 617391.

Submission:

Labcorp Genetics (formerly Invitae), Labcorp
Classification: Uncertain significance for Developmental and epileptic encephalopathy, 54. Last evaluated: 2024-08-08. Review status: criteria provided, single submitter. Criteria: Invitae Variant Classification Sherloc (09022015). Collection method: clinical testing. Allele origin: germline.
Comment: This sequence change falls in intron 10 of the HNRNPU gene. It does not directly change the encoded amino acid sequence of the HNRNPU protein. This variant is not present in population databases (gnomAD no frequency). This variant has not been reported in the literature in individuals affected with HNRNPU-related conditions. Algorithms developed to predict the effect of sequence changes on RNA splicing suggest that this variant may disrupt the consensus splice site. In summary, the available evidence is currently insufficient to determine the role of this variant in disease. Therefore, it has been classified as a Variant of Uncertain Significance.

NM_031844.3(HNRNPU):c.1912+9T>G

Gene: HNRNPU (heterogeneous nuclear ribonucleoprotein U; minus strand). Cytogenetic location: 1q44.
Variant type: single nucleotide variant.
Coding change: c.1912+9T>G on transcript NM_031844.3 (MANE Select); 9 bases into the intron after coding-DNA position 1912, T replaced by G.
Molecular consequence: intron variant.
Genome position (GRCh38, 1-based): chr1:244,856,448, A>C on the plus strand (T>G on the coding strand, the complement: HNRNPU is on the minus strand). VCF-style: chr1-244856448-A-C. GRCh37 (hg19) VCF-style: chr1-245019750-A-C.
Other names: c.1855+9T>G (NM_004501.3).
Identifiers: ClinVar variation 3614133 (VCV003614133.2).
Genomic context (GRCh38, chr1:244,856,448, plus strand): 5'-CAGAATATGTAGGAAAAACATTCTTTTAAAAAGAAGATTTCACACAGTAACAGAATTAAA[A>C]TTCCATGCCTTTCATTTTGAGGACCGCATGTTCTGGTAGGTCTTTCCCCTCTACTTCTGC-3'